The following is an entry in ClinVar:

NM_001083962.2(TCF4):c.762del (p.Cys255fs)

Gene: TCF4 (transcription factor 4; minus strand). Cytogenetic location: 18q21.2.
Variant type: Deletion.
Coding change: c.762del on transcript NM_001083962.2 (MANE Select); coding-DNA position 762, one base deleted (C; older notation c.762delC).
Protein change: p.Cys255fs; shifts the reading frame from cysteine 255.
Molecular consequence: frameshift variant.
Genome position (GRCh38, 1-based): chr18:55,275,646, G deleted on the plus strand (C on the coding strand, the reverse complement: TCF4 is on the minus strand). VCF-style (leftmost placement, unchanged base first): chr18-55275645-AG-A. GRCh37 (hg19) VCF-style: chr18-52942876-AG-A.
Other names: c.1068del, p.Cys357fs (NM_001243226.3); c.690del, p.Cys231fs (NM_001243227.2, NM_001306207.1, NM_001348217.1 and 9 more transcripts); c.780del, p.Cys261fs (NM_001243228.2); c.756del, p.Cys253fs (NM_001243230.2); c.636del, p.Cys213fs (NM_001243231.2, NM_001348211.2); c.549del, p.Cys184fs (NM_001243232.1, NM_001306208.1); c.372del, p.Cys125fs (NM_001243233.2, NM_001330605.3, NM_001348212.2 and 1 more transcripts); c.282del, p.Cys95fs (NM_001243234.2, NM_001243235.2, NM_001243236.2 and 2 more transcripts); and 4 more; short protein forms C125fs, C255fs, C184fs, C213fs, C230fs, C231fs, C253fs, C254fs.
Identifiers: ClinVar variation 954809 (VCV000954809.3), dbSNP rs2061366129, ClinGen allele CA1139666103.

ClinVar aggregate classification (germline): Pathogenic (1 of 4 stars; one submission).

Conditions:
Pitt-Hopkins syndrome (PTHS). Also called: MENTAL RETARDATION, SYNDROMAL, WITH INTERMITTENT HYPERVENTILATION; ENCEPHALOPATHY, SEVERE EPILEPTIC, WITH AUTONOMIC DYSFUNCTION. Identifiers: Orphanet 2896, MedGen C1970431, MONDO:0012589, OMIM 610954.

Submission:

Labcorp Genetics (formerly Invitae), Labcorp
Classification: Pathogenic for Pitt-Hopkins syndrome. Last evaluated: 2019-10-03. Review status: criteria provided, single submitter. Criteria: Invitae Variant Classification Sherloc (09022015). Collection method: clinical testing. Allele origin: germline.
Comment: This sequence change creates a premature translational stop signal (p.Cys255Valfs*9) in the TCF4 gene. It is expected to result in an absent or disrupted protein product. This variant is not present in population databases (ExAC no frequency). This variant has not been reported in the literature in individuals with TCF4-related conditions. Loss-of-function variants in TCF4 are known to be pathogenic (PMID: 18728071, 22045651). For these reasons, this variant has been classified as Pathogenic.

Literature cited by the submitters: PubMed 18728071; PubMed 22045651.